The following is an entry in ClinVar:

NM_001003694.2(BRPF1):c.2459_2460del (p.Lys820fs)

Gene: BRPF1 (bromodomain and PHD finger containing 1; plus strand). Cytogenetic location: 3p25.3.
Variant type: Deletion.
Coding change: c.2459_2460del on transcript NM_001003694.2 (MANE Select); coding-DNA positions 2459 to 2460, 2 bases deleted (AA; older notation c.2459_2460delAA).
Protein change: p.Lys820fs; shifts the reading frame from lysine 820.
Molecular consequence: frameshift variant. On other transcripts: non-coding transcript variant (1).
Genome position (GRCh38, 1-based): chr3:9,743,725-9,743,726, AA deleted; deleting any 2 consecutive bases within chr3:9,743,724-9,743,726 gives the same sequence; the c. name uses the placement nearest the transcript's 3' end. VCF-style (leftmost placement, unchanged base first): chr3-9743723-GAA-G. GRCh37 (hg19) VCF-style: chr3-9785407-GAA-G.
Other names: c.2441_2442del, p.Lys814fs (NM_001319049.2, NM_004634.3); c.2438_2439del, p.Lys813fs (NM_001319050.2); c.2459_2460delAA (NM_001003694.1); short protein forms K813fs, K814fs, K820fs.
Identifiers: ClinVar variation 987321 (VCV000987321.3), dbSNP rs2077071992, ClinGen allele CA1139657855.
Genomic context (GRCh38, chr3:9,743,723, plus strand): 5'-GGACGAAGTGAATGCCAGCAAGCAGAGTGTGGGCCGCTCACGGCGTGCAAAGATGATCAA[GAA>G]AGAGATGACGGCACTGCGGCGGAAGCTTGCCCATCAGCGAGAGACGGGACGTGATGGCCC-3'

ClinVar aggregate classification (germline): Pathogenic. Review status: criteria provided, multiple submitters, no conflicts (2 of 4 stars). 2 submissions from 2 submitters: Pathogenic (2). Last evaluated 2025-08-13.

Conditions:
Inborn genetic diseases. Identifiers: MedGen C0950123, MeSH D030342.

Submissions (2):

Ambry Genetics
Classification: Pathogenic for Inborn genetic diseases. Last evaluated: 2025-08-13. Review status: criteria provided, single submitter. Criteria: Ambry Variant Classification Scheme 2023. Collection method: clinical testing. Allele origin: germline.
Comment: The c.2459_2460delAA (p.K820Rfs*18) alteration, located in exon 8 (coding exon 7) of the BRPF1 gene, consists of a deletion of 2 nucleotides from position 2459 to 2460, causing a translational frameshift with a predicted alternate stop codon after 18 amino acids. This alteration is expected to result in loss of function by premature protein truncation or nonsense-mediated mRNA decay. This variant was not reported in population-based cohorts in the Genome Aggregation Database (gnomAD). Based on the available evidence, this alteration is classified as pathogenic.

Institute of Medical Genetics and Applied Genomics, University Hospital Tübingen
Classification: Pathogenic. Last evaluated: 2020-10-23. Review status: criteria provided, single submitter. Criteria: ACMG Guidelines, 2015. Collection method: clinical testing. Allele origin: germline. Inheritance: Autosomal dominant inheritance. Affected: yes.